The following is an entry in ClinVar:

NM_006231.4(POLE):c.3247A>G (p.Lys1083Glu)

Gene: POLE (DNA polymerase epsilon, catalytic subunit; minus strand). Cytogenetic location: 12q24.33.
Variant type: single nucleotide variant.
Coding change: c.3247A>G on transcript NM_006231.4 (MANE Select); coding-DNA position 3247, A replaced by G.
Protein change: p.Lys1083Glu; replaces lysine 1083 with glutamic acid.
Molecular consequence: missense variant.
Genome position (GRCh38, 1-based): chr12:132,659,323, T>C on the plus strand (A>G on the coding strand, the complement: POLE is on the minus strand). VCF-style: chr12-132659323-T-C. GRCh37 (hg19) VCF-style: chr12-133235909-T-C.
Other names: short protein forms K1083E.
Identifiers: ClinVar variation 1729351 (VCV001729351.2), dbSNP rs1260941612, ClinGen allele CA387390349.

ClinVar aggregate classification (germline): Uncertain significance (1 of 4 stars; one submission).

Conditions:
Hereditary cancer-predisposing syndrome. Also called: Neoplastic Syndromes, Hereditary; Tumor predisposition; Hereditary Cancer Syndrome; Hereditary neoplastic syndrome. Identifiers: Orphanet 140162, MedGen C0027672, MeSH D009386, MONDO:0015356.

Submission:

Ambry Genetics
Classification: Uncertain significance for Hereditary cancer-predisposing syndrome. Last evaluated: 2022-08-15. Review status: criteria provided, single submitter. Criteria: Ambry Variant Classification Scheme 2023. Collection method: clinical testing. Allele origin: germline.
Comment: The p.K1083E variant (also known as c.3247A>G), located in coding exon 26 of the POLE gene, results from an A to G substitution at nucleotide position 3247. The lysine at codon 1083 is replaced by glutamic acid, an amino acid with similar properties. This amino acid position is conserved. In addition, this alteration is predicted to be tolerated by in silico analysis. Since supporting evidence is limited at this time, the clinical significance of this alteration remains unclear.